The following is an entry in ClinVar:

ClinVar aggregate classification (germline): Likely pathogenic (1 of 4 stars; one submission).

Submission:

CeGaT Center for Human Genetics Tuebingen
Classification: Likely pathogenic. Last evaluated: 2022-12-01. Review status: criteria provided, single submitter. Criteria: CeGaT Center For Human Genetics Tuebingen Variant Classification Criteria Version 2. Collection method: clinical testing. Allele origin: germline. Affected: yes. Observed: 1 variant allele.
Comment: FZD4: PVS1:Strong, PM2

NM_012193.4(FZD4):c.1315del (p.Val439fs)

Genes: FZD4 (frizzled class receptor 4; minus strand), PRSS23 (serine protease 23; plus strand). Cytogenetic location: 11q14.2.
Variant type: Deletion.
Coding change: c.1315del on transcript NM_012193.4 (MANE Select); coding-DNA position 1315, one base deleted (G; older notation c.1315delG).
Protein change: p.Val439fs; shifts the reading frame from valine 439.
Molecular consequence: frameshift variant. On other transcripts: non-coding transcript variant (2).
Genome position (GRCh38, 1-based): chr11:86,951,441, C deleted on the plus strand (G on the coding strand, the reverse complement: FZD4 is on the minus strand); the first of 4 consecutive C bases (chr11:86,951,441-86,951,444); deleting any one gives the same sequence. VCF-style (leftmost placement, unchanged base first): chr11-86951440-AC-A. GRCh37 (hg19) VCF-style: chr11-86662482-AC-A.
Other names: short protein forms V439fs.
Identifiers: ClinVar variation 1879215 (VCV001879215.29), dbSNP rs2495865897, ClinGen allele CA2580085007.